The following is an entry in ClinVar:

ClinVar aggregate classification (germline): Uncertain significance (1 of 4 stars; one submission).

Conditions:
Inborn genetic diseases. Identifiers: MedGen C0950123, MeSH D030342.

gnomAD v4.1: 1 of 1,614,032 alleles (0.000062%); highest among the groups gnomAD compares: East Asian, 0.0022%; no homozygotes.

Submissions (2):

Ambry Genetics
Classification: Uncertain significance for Inborn genetic diseases. Last evaluated: 2025-10-13. Review status: criteria provided, single submitter. Criteria: Ambry Variant Classification Scheme 2023. Collection method: clinical testing. Allele origin: germline.
Comment: The p.N75Y variant (also known as c.223A>T), located in coding exon 3 of the CEP57 gene, results from an A to T substitution at nucleotide position 223. The asparagine at codon 75 is replaced by tyrosine, an amino acid with dissimilar properties. This amino acid position is conserved. In addition, the in silico prediction for this alteration is inconclusive. Based on the available evidence, the clinical significance of this variant remains unclear.

Dr. Peter K. Rogan Lab, Western University
No classification provided (evidence only). Condition: Gastric cancer. Review status: no classification provided. Collection method: in vitro. Allele origin: not applicable. Functional consequence: retained intron. Not counted in ClinVar's aggregate classification.

NM_014679.5(CEP57):c.223A>T (p.Asn75Tyr)

Gene: CEP57 (centrosomal protein 57; plus strand). Cytogenetic location: 11q21.
Variant type: single nucleotide variant.
Coding change: c.223A>T on transcript NM_014679.5 (MANE Select); coding-DNA position 223, A replaced by T.
Protein change: p.Asn75Tyr; replaces asparagine 75 with tyrosine.
Molecular consequence: missense variant. On other transcripts: intron variant (3).
Genome position (GRCh38, 1-based): chr11:95,812,952, A>T. VCF-style: chr11-95812952-A-T. GRCh37 (hg19) VCF-style: chr11-95546116-A-T.
Other names: NC_000011.9:g.95546116A>T; c.196A>T, p.Asn66Tyr (NM_001243776.2); c.223A>T, p.Asn75Tyr (NM_001243777.2, NM_001440871.1, NM_001440872.1 and 4 more transcripts); c.142A>T, p.Asn48Tyr (NM_001363604.2, NM_001440869.1, NM_001440870.1 and 3 more transcripts); c.203-516A>T (NM_001440873.1, NM_001440881.1); c.122-516A>T (NM_001440880.1); c.223A>T (NM_014679.4); short protein forms N48Y, N66Y, N75Y.
Identifiers: ClinVar variation 4378297 (VCV004378297.1).